The following is an entry in ClinVar:

ClinVar aggregate classification (germline): Uncertain significance (1 of 4 stars; one submission).

Conditions:
Spastic paraplegia. Identifiers: MedGen C0037772, HP:0001258.

Submission:

Labcorp Genetics (formerly Invitae), Labcorp
Classification: Uncertain significance for Spastic paraplegia. Last evaluated: 2024-07-16. Review status: criteria provided, single submitter. Criteria: Invitae Variant Classification Sherloc (09022015). Collection method: clinical testing. Allele origin: germline.
Comment: This sequence change replaces lysine, which is basic and polar, with asparagine, which is neutral and polar, at codon 481 of the HSPD1 protein (p.Lys481Asn). This variant is not present in population databases (gnomAD no frequency). This variant has not been reported in the literature in individuals affected with HSPD1-related conditions. ClinVar contains an entry for this variant (Variation ID: 2198957). Advanced modeling of protein sequence and biophysical properties (such as structural, functional, and spatial information, amino acid conservation, physicochemical variation, residue mobility, and thermodynamic stability) performed at Invitae indicates that this missense variant is not expected to disrupt HSPD1 protein function with a negative predictive value of 80%. Algorithms developed to predict the effect of sequence changes on RNA splicing suggest that this variant may create or strengthen a splice site. In summary, the available evidence is currently insufficient to determine the role of this variant in disease. Therefore, it has been classified as a Variant of Uncertain Significance.

NM_002156.5(HSPD1):c.1443G>C (p.Lys481Asn)

Gene: HSPD1 (heat shock protein family D (Hsp60) member 1; minus strand). Cytogenetic location: 2q33.1.
Variant type: single nucleotide variant.
Coding change: c.1443G>C on transcript NM_002156.5 (MANE Select); coding-DNA position 1443, G replaced by C.
Protein change: p.Lys481Asn; replaces lysine 481 with asparagine.
Molecular consequence: missense variant.
Genome position (GRCh38, 1-based): chr2:197,487,984, C>G on the plus strand (G>C on the coding strand, the complement: HSPD1 is on the minus strand). VCF-style: chr2-197487984-C-G. GRCh37 (hg19) VCF-style: chr2-198352708-C-G.
Other names: c.1443G>C, p.Lys481Asn (NM_199440.2); short protein forms K481N.
Identifiers: ClinVar variation 2198957 (VCV002198957.4), dbSNP rs2470106194, ClinGen allele CA350198468.
Genomic context (GRCh38, chr2:197,487,984, plus strand): 5'-AACTTCTGAGGAACTTTGCATAATTTTCTCAACTATCAAAGATCCTTCAACACCTGCATT[C>G]TTAGCAATGGTCATTGCTGGAATTTTGAGTGTTCTTTTAATAATTTCTATACCTACAGAG-3'
Protein context (NP_002147.2, residues 471-491): TLKIPAMTIA[Lys481Asn]NAGVEGSLIV